The following is an entry in ClinVar:

NM_005908.4(MANBA):c.51C>A (p.Thr17=)

Genes: MANBA (mannosidase beta; minus strand), LOC129992886 (ATAC-STARR-seq lymphoblastoid active region 21757; plus strand). Cytogenetic location: 4q24.
Variant type: single nucleotide variant.
Coding change: c.51C>A on transcript NM_005908.4 (MANE Select); coding-DNA position 51, C replaced by A.
Protein change: p.Thr17=; no amino-acid change (threonine 17 retained).
Molecular consequence: synonymous variant.
Genome position (GRCh38, 1-based): chr4:102,760,844, G>T on the plus strand (C>A on the coding strand, the complement: MANBA is on the minus strand). VCF-style: chr4-102760844-G-T. GRCh37 (hg19) VCF-style: chr4-103682001-G-T.
Other names: c.51C>A (NM_005908.3).
Identifiers: ClinVar variation 2803414 (VCV002803414.5), dbSNP rs1316924248, ClinGen allele CA440634040.

ClinVar aggregate classification (germline): Likely benign. Review status: criteria provided, single submitter (1 of 4 stars). 2 submissions from 2 submitters: Likely benign (1). 1 of the submissions does not count toward it. Last evaluated 2023-11-17.

Conditions:
MANBA-related disorder. Also called: MANBA-related condition.
Beta-D-mannosidosis (MANSB). Also called: Beta-Mannosidosis; MANNOSIDOSIS, BETA A, LYSOSOMAL; BETA-MANNOSIDASE DEFICIENCY; LYSOSOMAL BETA-MANNOSIDASE DEFICIENCY. Identifiers: Orphanet 118, MedGen C4048196, MONDO:0009562, OMIM 248510.

gnomAD v4.1: 2 of 1,571,016 alleles (0.00013%); highest among the groups gnomAD compares: South Asian, 0.0012%; no homozygotes.

Submissions (2):

Labcorp Genetics (formerly Invitae), Labcorp
Classification: Likely benign for Beta-D-mannosidosis. Last evaluated: 2023-11-17. Review status: criteria provided, single submitter. Criteria: Invitae Variant Classification Sherloc (09022015). Collection method: clinical testing. Allele origin: germline.

PreventionGenetics, part of Exact Sciences
Classification: Likely benign for MANBA-related condition. Last evaluated: 2023-10-20. Review status: no assertion criteria provided. Collection method: clinical testing. Allele origin: germline. Not counted in ClinVar's aggregate classification.
Comment: This variant is classified as likely benign based on ACMG/AMP sequence variant interpretation guidelines (Richards et al. 2015 PMID: 25741868, with internal and published modifications).